The following is an entry in ClinVar:

NM_002834.5(PTPN11):c.35C>G (p.Thr12Ser)

Gene: PTPN11 (protein tyrosine phosphatase non-receptor type 11; plus strand). Cytogenetic location: 12q24.13.
Variant type: single nucleotide variant.
Coding change: c.35C>G on transcript NM_002834.5 (MANE Select); coding-DNA position 35, C replaced by G.
Protein change: p.Thr12Ser; replaces threonine 12 with serine.
Molecular consequence: missense variant.
Genome position (GRCh38, 1-based): chr12:112,446,296, C>G. VCF-style: chr12-112446296-C-G. GRCh37 (hg19) VCF-style: chr12-112884100-C-G.
Other names: c.35C>G, p.Thr12Ser (NM_001330437.2, NM_001374625.1, NM_080601.3); short protein forms T12S.
Identifiers: ClinVar variation 5018292 (VCV005018292.1).

ClinVar aggregate classification (germline): Uncertain significance (1 of 4 stars; one submission).

Submission:

GeneDx
Classification: Uncertain significance. Last evaluated: 2026-04-07. Review status: criteria provided, single submitter. Criteria: GeneDx Variant Classification Process June 2021. Collection method: clinical testing. Allele origin: germline.
Comment: Not observed at significant frequency in large population cohorts (gnomAD); Missense variants in this gene are a common cause of disease and they are underrepresented in the general population; In silico analysis suggests that this missense variant does not alter protein structure/function; Has not been previously published as pathogenic or benign to our knowledge; This variant is associated with the following publications: (PMID: 29493581)